The following is an entry in ClinVar:

NM_005732.4(RAD50):c.3302A>T (p.Glu1101Val)

Gene: RAD50 (RAD50 double strand break repair protein; plus strand). Cytogenetic location: 5q31.1.
Variant type: single nucleotide variant.
Coding change: c.3302A>T on transcript NM_005732.4 (MANE Select); coding-DNA position 3302, A replaced by T.
Protein change: p.Glu1101Val; replaces glutamic acid 1101 with valine.
Molecular consequence: missense variant.
Genome position (GRCh38, 1-based): chr5:132,618,207, A>T. VCF-style: chr5-132618207-A-T. GRCh37 (hg19) VCF-style: chr5-131953899-A-T.
Other names: short protein forms E1101V.
Identifiers: ClinVar variation 457443 (VCV000457443.9), dbSNP rs756702059, ClinGen allele CA360964773.
Genomic context (GRCh38, chr5:132,618,207, plus strand): 5'-ATGAAGAAGAAATTATTCATTTTAAGAAAGAACTTCGAGAACCACAATTTCGGGATGCTG[A>T]GGAAAAGTATAGAGAAATGATGATTGTTATGAGGACAACAGAACTTGTGAACAAGGATCT-3'
Protein context (NP_005723.2, residues 1091-1111): ELREPQFRDA[Glu1101Val]EKYREMMIVM

ClinVar aggregate classification (germline): Uncertain significance (1 of 4 stars; one submission).

Conditions:
Hereditary cancer-predisposing syndrome. Also called: Neoplastic Syndromes, Hereditary; Tumor predisposition; Hereditary Cancer Syndrome; Hereditary neoplastic syndrome. Identifiers: Orphanet 140162, MedGen C0027672, MeSH D009386, MONDO:0015356.

Submission:

Labcorp Genetics (formerly Invitae), Labcorp
Classification: Uncertain significance for Hereditary cancer-predisposing syndrome. Last evaluated: 2022-06-28. Review status: criteria provided, single submitter. Criteria: Invitae Variant Classification Sherloc (09022015). Collection method: clinical testing. Allele origin: germline.
Comment: This sequence change replaces glutamic acid, which is acidic and polar, with valine, which is neutral and non-polar, at codon 1101 of the RAD50 protein (p.Glu1101Val). This variant is not present in population databases (gnomAD no frequency). This variant has not been reported in the literature in individuals affected with RAD50-related conditions. ClinVar contains an entry for this variant (Variation ID: 457443). Algorithms developed to predict the effect of missense changes on protein structure and function are either unavailable or do not agree on the potential impact of this missense change (SIFT: "Deleterious"; PolyPhen-2: "Benign"; Align-GVGD: "Class C0"). In summary, the available evidence is currently insufficient to determine the role of this variant in disease. Therefore, it has been classified as a Variant of Uncertain Significance.